The following is an entry in ClinVar:

NC_000012.12:g.121641419G>A

Gene: ORAI1 (ORAI calcium release-activated calcium modulator 1; plus strand). Cytogenetic location: 12q24.31.
Variant type: single nucleotide variant.
Genome position: GRCh38 VCF-style: chr12-121641419-G-A. GRCh37 (hg19) VCF-style: chr12-122079325-G-A.
Other names: c.682G>A, p.Gly228Ser (NM_032790.4); short protein forms G228S.
Identifiers: ClinVar variation 946679 (VCV000946679.9), dbSNP rs377456337, ClinGen allele CA6837544.

ClinVar aggregate classification (germline): Uncertain significance. Review status: criteria provided, multiple submitters, no conflicts (2 of 4 stars). 2 submissions from 2 submitters: Uncertain significance (2). Last evaluated 2024-06-05.

Conditions:
Myopathy, tubular aggregate, 2 (TAM2). Identifiers: MedGen C4014557, MONDO:0014383, OMIM 615883.
Combined immunodeficiency due to ORAI1 deficiency. Also called: IMMUNODEFICIENCY 9. Identifiers: Orphanet 169090, Orphanet 317428, MedGen C2748568, MONDO:0013007, OMIM 612782.

Allele frequency attached by ClinVar (database versions not stated): ExAC 0.00001; gnomAD 0.00003 and 0.00004; TOPMed 0.00003; ESP Exome Variant Server 0.00008.

Submissions (2):

Labcorp Genetics (formerly Invitae), Labcorp
Classification: Uncertain significance for Myopathy, tubular aggregate, 2; Combined immunodeficiency due to ORAI1 deficiency. Last evaluated: 2024-06-05. Review status: criteria provided, single submitter. Criteria: Invitae Variant Classification Sherloc (09022015). Collection method: clinical testing. Allele origin: germline.
Comment: This sequence change replaces glycine, which is neutral and non-polar, with serine, which is neutral and polar, at codon 228 of the ORAI1 protein (p.Gly228Ser). This variant is present in population databases (rs377456337, gnomAD 0.03%). This variant has not been reported in the literature in individuals affected with ORAI1-related conditions. ClinVar contains an entry for this variant (Variation ID: 946679). Experimental studies and prediction algorithms are not available or were not evaluated, and the functional significance of this variant is currently unknown. In summary, the available evidence is currently insufficient to determine the role of this variant in disease. Therefore, it has been classified as a Variant of Uncertain Significance.

Blueprint Genetics
Classification: Uncertain significance. Last evaluated: 2020-10-28. Review status: criteria provided, single submitter. Criteria: ACMG Guidelines, 2015. Collection method: clinical testing. Allele origin: germline.